The following is an entry in ClinVar:

NM_001303256.3(MORC2):c.1305G>T (p.Glu435Asp)

Gene: MORC2 (MORC family CW-type zinc finger 2; minus strand). Cytogenetic location: 22q12.2.
Variant type: single nucleotide variant.
Coding change: c.1305G>T on transcript NM_001303256.3 (MANE Select); coding-DNA position 1305, G replaced by T.
Protein change: p.Glu435Asp; replaces glutamic acid 435 with aspartic acid.
Molecular consequence: missense variant.
Genome position (GRCh38, 1-based): chr22:30,937,879, C>A on the plus strand (G>T on the coding strand, the complement: MORC2 is on the minus strand). VCF-style: chr22-30937879-C-A. GRCh37 (hg19) VCF-style: chr22-31333866-C-A.
Other names: c.1305G>T, p.Glu435Asp (NM_001303257.2); c.1119G>T, p.Glu373Asp (NM_014941.3); short protein forms E373D, E435D.
Identifiers: ClinVar variation 1005422 (VCV001005422.7), dbSNP rs2040679430, ClinGen allele CA411238785.

ClinVar aggregate classification (germline): Uncertain significance (1 of 4 stars; one submission).

Conditions:
Charcot-Marie-Tooth disease axonal type 2Z. Also called: CHARCOT-MARIE-TOOTH DISEASE, AXONAL, AUTOSOMAL DOMINANT, TYPE 2Z; CHARCOT-MARIE-TOOTH NEUROPATHY, TYPE 2Z. Identifiers: Orphanet 466768, MedGen C5569025, MONDO:0014736, OMIM 616688.

gnomAD v4.1: 2 of 1,614,148 alleles (0.00012%); highest among the groups gnomAD compares: Non-Finnish European, 0.00017%; no homozygotes.

Submission:

Labcorp Genetics (formerly Invitae), Labcorp
Classification: Uncertain significance for Charcot-Marie-Tooth disease axonal type 2Z. Last evaluated: 2020-09-09. Review status: criteria provided, single submitter. Criteria: Invitae Variant Classification Sherloc (09022015). Collection method: clinical testing. Allele origin: germline.
Comment: This variant has not been reported in the literature in individuals with MORC2-related conditions. In summary, the available evidence is currently insufficient to determine the role of this variant in disease. Therefore, it has been classified as a Variant of Uncertain Significance. Advanced modeling of protein sequence and biophysical properties (such as structural, functional, and spatial information, amino acid conservation, physicochemical variation, residue mobility, and thermodynamic stability) performed at Invitae indicates that this missense variant is expected to disrupt MORC2 protein function. This variant is not present in population databases (ExAC no frequency). This sequence change replaces glutamic acid with aspartic acid at codon 435 of the MORC2 protein (p.Glu435Asp). The glutamic acid residue is highly conserved and there is a small physicochemical difference between glutamic acid and aspartic acid.